The following is an entry in ClinVar:

NM_004859.4(CLTC):c.3813G>A (p.Met1271Ile)

Gene: CLTC (clathrin heavy chain; plus strand). Cytogenetic location: 17q23.1.
Variant type: single nucleotide variant.
Coding change: c.3813G>A on transcript NM_004859.4 (MANE Select); coding-DNA position 3813, G replaced by A.
Protein change: p.Met1271Ile; replaces methionine 1271 with isoleucine.
Molecular consequence: missense variant.
Genome position (GRCh38, 1-based): chr17:59,682,954, G>A. VCF-style: chr17-59682954-G-A. GRCh37 (hg19) VCF-style: chr17-57760315-G-A.
Other names: c.3825G>A, p.Met1275Ile (NM_001288653.2); short protein forms M1271I, M1275I.
Identifiers: ClinVar variation 1334488 (VCV001334488.4), dbSNP rs972611601, ClinGen allele CA292117404.
Genomic context (GRCh38, chr17:59,682,954, plus strand): 5'-ATGTTTATTCTAGGTCTGCTTCGCCTGTGTAGATGGGAAAGAATTCCGTCTTGCTCAGAT[G>A]TGTGGACTTCATATTGTTGTACATGCAGATGAATTAGAAGAACTTATCAACTACTATCAG-3'
Protein context (NP_004850.1, residues 1261-1281): VDGKEFRLAQ[Met1271Ile]CGLHIVVHAD

ClinVar aggregate classification (germline): Uncertain significance (1 of 4 stars; one submission).

Allele frequency attached by ClinVar (database versions not stated): gnomAD exomes below 0.00001; TOPMed 0.00002.

Submission:

Greenwood Genetic Center Diagnostic Laboratories, Greenwood Genetic Center
Classification: Uncertain significance. Last evaluated: 2021-06-15. Review status: criteria provided, single submitter. Criteria: ACMG Guidelines, 2015. Collection method: clinical testing. Allele origin: germline. Affected: yes.
Comment: PM2